The following is an entry in ClinVar:

NM_133459.4(CCBE1):c.*1258C>G

Gene: CCBE1 (collagen and calcium binding EGF domains 1; minus strand). Cytogenetic location: 18q21.32.
Variant type: single nucleotide variant.
Coding change: c.*1258C>G on transcript NM_133459.4 (MANE Select); 1258 bases downstream of the stop codon, C replaced by G.
Molecular consequence: 3 prime UTR variant.
Genome position (GRCh38, 1-based): chr18:59,434,650, G>C on the plus strand (C>G on the coding strand, the complement: CCBE1 is on the minus strand). VCF-style: chr18-59434650-G-C. GRCh37 (hg19) VCF-style: chr18-57101882-G-C.
Other names: c.*1258C>G (LRG_1209t1).
Identifiers: ClinVar variation 327676 (VCV000327676.5), dbSNP rs571761684, ClinGen allele CA10648024.

ClinVar aggregate classification (germline): Benign (1 of 4 stars; one submission).

Conditions:
Hennekam lymphangiectasia-lymphedema syndrome 1 (HKLLS1). Also called: LYMPHATIC DYSPLASIA, GENERALIZED. Identifiers: Orphanet 2136, MedGen C4012050, MONDO:0009337, OMIM 235510.

Allele frequency attached by ClinVar (database versions not stated): gnomAD below 0.00001 and 0.00027; TOPMed 0.00002; 1000 Genomes Project 0.00339; 1000 Genomes Project 30x 0.00344.

Submission:

Illumina Laboratory Services, Illumina
Classification: Benign for Hennekam lymphangiectasia-lymphedema syndrome 1. Last evaluated: 2018-01-12. Review status: criteria provided, single submitter. Criteria: ICSL Variant Classification Criteria 13 December 2019. Collection method: clinical testing. Allele origin: germline.
Comment: This variant was observed in the ICSL laboratory as part of a predisposition screen in an ostensibly healthy population. It had not been previously curated by ICSL or reported in the Human Gene Mutation Database (HGMD: prior to June 1st, 2018), and was therefore a candidate for classification through an automated scoring system. Utilizing variant allele frequency, disease prevalence and penetrance estimates, and inheritance mode, an automated score was calculated to assess if this variant is too frequent to cause the disease. Based on the score and internal cut-off values, a variant classified as benign is not then subjected to further curation. The score for this variant resulted in a classification of benign for this disease.